The following is an entry in ClinVar:

NM_001220.5(CAMK2B):c.1543G>C (p.Val515Leu)

Gene: CAMK2B (calcium/calmodulin dependent protein kinase II beta; minus strand). Cytogenetic location: 7p13.
Variant type: single nucleotide variant.
Coding change: c.1543G>C on transcript NM_001220.5 (MANE Select); coding-DNA position 1543, G replaced by C.
Protein change: p.Val515Leu; replaces valine 515 with leucine.
Molecular consequence: missense variant. On other transcripts: intron variant (8).
Genome position (GRCh38, 1-based): chr7:44,226,570, C>G on the plus strand (G>C on the coding strand, the complement: CAMK2B is on the minus strand). VCF-style: chr7-44226570-C-G. GRCh37 (hg19) VCF-style: chr7-44266169-C-G.
Other names: c.947-5669G>C (NM_172084.3); c.1150+4436G>C (NM_172080.3); c.1036+4436G>C (NM_172083.3); c.1108+4436G>C (NM_172081.3); c.1153+4436G>C (NM_172079.3, NM_172082.3); c.1225+4436G>C (NM_001293170.2, NM_172078.3); short protein forms V515L.
Identifiers: ClinVar variation 2984293 (VCV002984293.3), dbSNP rs367731329, ClinGen allele CA367371532.
Genomic context (GRCh38, chr7:44,226,570, plus strand): 5'-ACTTACATGGGGTGGGCAGGGGGCCAGGGATAGTCGGAGATGGGCAGGGCGGGGGCCCCA[C>G]TGGCGAGGGGCCCTCGGCTTCTGGGGTCCCTGAGCCCCTCCTCACAGAGTTCAGGATGTC-3'
Protein context (NP_001211.3, residues 505-525): GTPEAEGPSP[Val515Leu]GPPPCPSPTI

ClinVar aggregate classification (germline): Uncertain significance (1 of 4 stars; one submission).

Submission:

Labcorp Genetics (formerly Invitae), Labcorp
Classification: Uncertain significance. Last evaluated: 2024-05-14. Review status: criteria provided, single submitter. Criteria: Invitae Variant Classification Sherloc (09022015). Collection method: clinical testing. Allele origin: germline.
Comment: This sequence change replaces valine, which is neutral and non-polar, with leucine, which is neutral and non-polar, at codon 515 of the CAMK2B protein (p.Val515Leu). This variant is not present in population databases (gnomAD no frequency). This variant has not been reported in the literature in individuals affected with CAMK2B-related conditions. An algorithm developed to predict the effect of missense changes on protein structure and function (PolyPhen-2) suggests that this variant is likely to be tolerated. In summary, the available evidence is currently insufficient to determine the role of this variant in disease. Therefore, it has been classified as a Variant of Uncertain Significance.